The following is an entry in ClinVar:

NM_001040108.2(MLH3):c.2258C>G (p.Ser753Cys)

Gene: MLH3 (mutL homolog 3; minus strand). Cytogenetic location: 14q24.3.
Variant type: single nucleotide variant.
Coding change: c.2258C>G on transcript NM_001040108.2 (MANE Select); coding-DNA position 2258, C replaced by G.
Protein change: p.Ser753Cys; replaces serine 753 with cysteine.
Molecular consequence: missense variant.
Genome position (GRCh38, 1-based): chr14:75,047,398, G>C on the plus strand (C>G on the coding strand, the complement: MLH3 is on the minus strand). VCF-style: chr14-75047398-G-C. GRCh37 (hg19) VCF-style: chr14-75514101-G-C.
Other names: c.2258C>G, p.Ser753Cys (NM_014381.3); short protein forms S753C.
Identifiers: ClinVar variation 4055456 (VCV004055456.1).
Genomic context (GRCh38, chr14:75,047,398, plus strand): 5'-TCTACTTCTGTATCCAGAGGATTTTCAACCTTCCCATATTGCCTCTTAAACTTCTCTAAA[G>C]ATCCTAGCTGTGAACTCAAGCTTAGCTTCTTACGGACGATTGGTTTGGAGAAACCAATTA-3'
Protein context (NP_001035197.1, residues 743-763): KKLSLSSQLG[Ser753Cys]LEKFKRQYGK

ClinVar aggregate classification (germline): Uncertain significance (1 of 4 stars; one submission).

gnomAD v4.1: 2 of 1,613,930 alleles (0.00012%); highest among the groups gnomAD compares: Admixed American, 0.0033%; no homozygotes.

Submission:

Ambry Genetics
Classification: Uncertain significance. Last evaluated: 2025-03-20. Review status: criteria provided, single submitter. Criteria: Ambry Variant Classification Scheme 2023. Collection method: clinical testing. Allele origin: germline.
Comment: The p.S753C variant (also known as c.2258C>G), located in coding exon 1 of the MLH3 gene, results from a C to G substitution at nucleotide position 2258. The serine at codon 753 is replaced by cysteine, an amino acid with dissimilar properties. This amino acid position is conserved. In addition, this alteration is predicted to be tolerated by in silico analysis. Based on the available evidence, the clinical significance of this variant remains unclear.